The following is an entry in ClinVar:

NM_020754.4(ARHGAP31):c.4213C>T (p.Leu1405Phe)

Gene: ARHGAP31 (Rho GTPase activating protein 31; plus strand). Cytogenetic location: 3q13.33.
Variant type: single nucleotide variant.
Coding change: c.4213C>T on transcript NM_020754.4 (MANE Select); coding-DNA position 4213, C replaced by T.
Protein change: p.Leu1405Phe; replaces leucine 1405 with phenylalanine.
Molecular consequence: missense variant.
Genome position (GRCh38, 1-based): chr3:119,416,142, C>T. VCF-style: chr3-119416142-C-T. GRCh37 (hg19) VCF-style: chr3-119134989-C-T.
Other names: short protein forms L1405F.
Identifiers: ClinVar variation 4689413 (VCV004689413.1).

ClinVar aggregate classification (germline): Uncertain significance (1 of 4 stars; one submission).

Submission:

Women's Health and Genetics/Laboratory Corporation of America, LabCorp
Classification: Uncertain significance. Last evaluated: 2026-01-13. Review status: criteria provided, single submitter. Criteria: LabCorp Variant Classification Summary - May 2015. Collection method: clinical testing. Allele origin: germline.
Comment: Variant summary: ARHGAP31 c.4213C>T (p.Leu1405Phe) results in a non-conservative amino acid change in the encoded protein sequence. Algorithms developed to predict the effect of missense changes on protein structure and function are either unavailable or do not agree on the potential impact of this missense change. The variant was absent in 249338 control chromosomes. The available data on variant occurrences in the general population are insufficient to allow any conclusion about variant significance. To our knowledge, no occurrence of c.4213C>T in individuals affected with ARHGAP31-related conditions and no experimental evidence demonstrating its impact on protein function have been reported. No submitters have cited clinical-significance assessments for this variant to ClinVar. Based on the evidence outlined above, the variant was classified as uncertain significance.